The following is an entry in ClinVar:

NM_130837.3(OPA1):c.1478A>C (p.Asp493Ala)

Gene: OPA1 (OPA1 mitochondrial dynamin like GTPase; plus strand). Cytogenetic location: 3q29.
Variant type: single nucleotide variant.
Coding change: c.1478A>C on transcript NM_130837.3 (MANE Select); coding-DNA position 1478, A replaced by C.
Protein change: p.Asp493Ala; replaces aspartic acid 493 with alanine.
Molecular consequence: missense variant.
Genome position (GRCh38, 1-based): chr3:193,643,975, A>C. VCF-style: chr3-193643975-A-C. GRCh37 (hg19) VCF-style: chr3-193361764-A-C.
Other names: c.944A>C, p.Asp315Ala (NM_001354663.2); c.941A>C, p.Asp314Ala (NM_001354664.2); c.1313A>C, p.Asp438Ala (NM_015560.3); c.1205A>C, p.Asp402Ala (NM_130831.3); c.1259A>C, p.Asp420Ala (NM_130832.3); c.1316A>C, p.Asp439Ala (NM_130833.3); c.1367A>C, p.Asp456Ala (NM_130834.3); c.1370A>C, p.Asp457Ala (NM_130835.3); and 1 more; short protein forms D314A, D315A, D402A, D420A, D438A, D439A, D456A, D457A.
Identifiers: ClinVar variation 3252589 (VCV003252589.1), dbSNP rs1734162973.

ClinVar aggregate classification (germline): Likely pathogenic (1 of 4 stars; one submission).

Submission:

GeneDx
Classification: Likely pathogenic. Last evaluated: 2023-10-23. Review status: criteria provided, single submitter. Criteria: GeneDx Variant Classification Process June 2021. Collection method: clinical testing. Allele origin: germline. Affected: yes.
Comment: Not observed at significant frequency in large population cohorts (gnomAD); In silico analysis supports that this missense variant has a deleterious effect on protein structure/function; This variant is associated with the following publications: (PMID: 11440988, 33231680, 34559197, 22857269, 36284460, 16698014, 31781369)